The following is an entry in ClinVar:

NM_130837.3(OPA1):c.301C>A (p.Arg101Ser)

Gene: OPA1 (OPA1 mitochondrial dynamin like GTPase; plus strand). Cytogenetic location: 3q29.
Variant type: single nucleotide variant.
Coding change: c.301C>A on transcript NM_130837.3 (MANE Select); coding-DNA position 301, C replaced by A.
Protein change: p.Arg101Ser; replaces arginine 101 with serine.
Molecular consequence: missense variant. On other transcripts: 5 prime UTR variant (2).
Genome position (GRCh38, 1-based): chr3:193,614,991, C>A. VCF-style: chr3-193614991-C-A. GRCh37 (hg19) VCF-style: chr3-193332780-C-A.
Other names: c.-72C>A (NM_001354663.2, NM_001354664.2); c.301C>A, p.Arg101Ser (NM_015560.3, NM_130831.3, NM_130832.3 and 4 more transcripts); short protein forms R101S.
Identifiers: ClinVar variation 1507257 (VCV001507257.6), dbSNP rs371943668, ClinGen allele CA355786920.
Genomic context (GRCh38, chr3:193,614,991, plus strand): 5'-GGCTACCAGCCTCGCAGGAATTTTTGGCCAGCAAGATTAGCTACGAGACTCTTAAAACTT[C>A]GCTATCTCATACTAGGATCGGCTGTTGGGGGTGGCTACACAGCCAAAAAGGTGAACTTGA-3'
Protein context (NP_570850.2, residues 91-111): ARLATRLLKL[Arg101Ser]YLILGSAVGG

ClinVar aggregate classification (germline): Uncertain significance (1 of 4 stars; one submission).

gnomAD v4.1: 2 of 1,614,178 alleles (0.00012%); highest among the groups gnomAD compares: Non-Finnish European, 0.00017%; no homozygotes.

Submission:

Labcorp Genetics (formerly Invitae), Labcorp
Classification: Uncertain significance. Last evaluated: 2021-10-18. Review status: criteria provided, single submitter. Criteria: Invitae Variant Classification Sherloc (09022015). Collection method: clinical testing. Allele origin: germline.
Comment: This sequence change replaces arginine with serine at codon 101 of the OPA1 protein (p.Arg101Ser). The arginine residue is highly conserved and there is a moderate physicochemical difference between arginine and serine. This variant is not present in population databases (ExAC no frequency). This variant has not been reported in the literature in individuals affected with OPA1-related conditions. Advanced modeling of protein sequence and biophysical properties (such as structural, functional, and spatial information, amino acid conservation, physicochemical variation, residue mobility, and thermodynamic stability) performed at Invitae indicates that this missense variant is expected to disrupt OPA1 protein function. In summary, the available evidence is currently insufficient to determine the role of this variant in disease. Therefore, it has been classified as a Variant of Uncertain Significance.